The following is an entry in ClinVar:

ClinVar aggregate classification (germline): Pathogenic (1 of 4 stars; one submission).

Conditions:
Nephronophthisis 15 (NPHP15). Identifiers: Orphanet 3156, MedGen C3541853, MONDO:0013917, OMIM 614845.

Submission:

Labcorp Genetics (formerly Invitae), Labcorp
Classification: Pathogenic for Nephronophthisis 15. Last evaluated: 2022-04-01. Review status: criteria provided, single submitter. Criteria: Invitae Variant Classification Sherloc (09022015). Collection method: clinical testing. Allele origin: germline.
Comment: For these reasons, this variant has been classified as Pathogenic. This variant has not been reported in the literature in individuals affected with CEP164-related conditions. This variant is not present in population databases (gnomAD no frequency). This sequence change creates a premature translational stop signal (p.Leu1229Profs*4) in the CEP164 gene. It is expected to result in an absent or disrupted protein product. Loss-of-function variants in CEP164 are known to be pathogenic (PMID: 22863007, 28125082, 32367404, 34132027, 34499853).

Literature cited by the submitters: PubMed 22863007; PubMed 28125082; PubMed 32367404; PubMed 34132027; PubMed 34499853.

NM_014956.5(CEP164):c.3685dup (p.Leu1229fs)

Gene: CEP164 (centrosomal protein 164; plus strand). Cytogenetic location: 11q23.3.
Variant type: Duplication.
Coding change: c.3685dup on transcript NM_014956.5 (MANE Select); coding-DNA position 3685, one base duplicated (C; older notation c.3685dupC).
Protein change: p.Leu1229fs; shifts the reading frame from leucine 1229.
Molecular consequence: frameshift variant.
Genome position (GRCh38, 1-based): chr11:117,408,965, C duplicated; the last of 2 consecutive C bases (chr11:117,408,964-117,408,965); duplicating either gives the same sequence. VCF-style (leftmost placement, unchanged base first): chr11-117408963-G-GC. GRCh37 (hg19) VCF-style: chr11-117279679-G-GC.
Other names: c.3694dup, p.Leu1232fs (NM_001271933.2); short protein forms L1229fs, L1232fs.
Identifiers: ClinVar variation 2056914 (VCV002056914.4), dbSNP rs2542695614, ClinGen allele CA2580083538.